The following is an entry in ClinVar:

ClinVar aggregate classification (germline): Likely benign (1 of 4 stars; one submission).

gnomAD v4.1: 261 of 1,400,166 alleles (0.019%); highest among the groups gnomAD compares: Middle Eastern, 0.25%; 11 homozygotes.

Submission:

CeGaT Center for Human Genetics Tuebingen
Classification: Likely benign. Last evaluated: 2025-04-01. Review status: criteria provided, single submitter. Criteria: CeGaT Center For Human Genetics Tuebingen Variant Classification Criteria Version 2. Collection method: clinical testing. Allele origin: germline. Affected: yes. Observed: 1 variant allele.
Comment: MUC4: BP4

NM_018406.7(MUC4):c.11868C>T (p.Thr3956=)

Gene: MUC4 (mucin 4, cell surface associated). Cytogenetic location: 3q29.
Variant type: single nucleotide variant.
Coding change: c.11868C>T on transcript NM_018406.7 (MANE Select); coding-DNA position 11868, C replaced by T.
Protein change: p.Thr3956=; no amino-acid change (threonine 3956 retained).
Molecular consequence: synonymous variant. On other transcripts: intron variant (2).
Genome position (GRCh38, 1-based): chr3:195,779,712, G>A on the plus strand (C>T on the coding strand, the complement: MUC4 is on the minus strand). VCF-style: chr3-195779712-G-A. GRCh37 (hg19) VCF-style: chr3-195506583-G-A.
Other names: c.83-5407C>T (NM_138297.5); c.83-1257C>T (NM_004532.6).
Identifiers: ClinVar variation 3898162 (VCV003898162.7).